The following is an entry in ClinVar:

ClinVar aggregate classification (germline): Uncertain significance (1 of 4 stars; one submission).

Submission:

GeneDx
Classification: Uncertain significance. Last evaluated: 2022-12-05. Review status: criteria provided, single submitter. Criteria: GeneDx Variant Classification Process June 2021. Collection method: clinical testing. Allele origin: germline. Affected: yes.
Comment: Not observed at significant frequency in large population cohorts (gnomAD); In silico analysis supports that this missense variant has a deleterious effect on protein structure/function; Has not been previously published as pathogenic or benign to our knowledge

NM_207122.2(EXT2):c.1744T>C (p.Tyr582His)

Gene: EXT2 (exostosin glycosyltransferase 2; plus strand). Cytogenetic location: 11p11.2.
Variant type: single nucleotide variant.
Coding change: c.1744T>C on transcript NM_207122.2 (MANE Select); coding-DNA position 1744, T replaced by C.
Protein change: p.Tyr582His; replaces tyrosine 582 with histidine.
Molecular consequence: missense variant.
Genome position (GRCh38, 1-based): chr11:44,232,434, T>C. VCF-style: chr11-44232434-T-C. GRCh37 (hg19) VCF-style: chr11-44253984-T-C.
Other names: c.1843T>C, p.Tyr615His (NM_000401.3); c.1774T>C, p.Tyr592His (NM_001178083.3); c.1744T>C, p.Tyr582His (NM_001389628.1, NM_001389630.1); short protein forms Y582H, Y592H, Y615H.
Identifiers: ClinVar variation 2504369 (VCV002504369.1), dbSNP rs2539779967, ClinGen allele CA380182989.
Genomic context (GRCh38, chr11:44,232,434, plus strand): 5'-CGGTTGGTGGGTTACCCGGGTCGTCTGCATCTCTGGGACCATGAGATGAATAAGTGGAAG[T>C]ATGAGTCTGAGTGGACGAATGAAGTGTCCATGGTGCTCACTGGGGCAGCTTTTTATCACA-3'
Protein context (NP_997005.1, residues 572-592): LWDHEMNKWK[Tyr582His]ESEWTNEVSM